The following is an entry in ClinVar:

ClinVar aggregate classification (germline): Uncertain significance (1 of 4 stars; one submission).

Submission:

Labcorp Genetics (formerly Invitae), Labcorp
Classification: Uncertain significance. Last evaluated: 2025-06-22. Review status: criteria provided, single submitter. Criteria: Invitae Variant Classification Sherloc (09022015). Collection method: clinical testing. Allele origin: germline.
Comment: This sequence change replaces isoleucine, which is neutral and non-polar, with valine, which is neutral and non-polar, at codon 663 of the RFWD3 protein (p.Ile663Val). This variant is not present in population databases (gnomAD no frequency). This variant has not been reported in the literature in individuals affected with RFWD3-related conditions. An algorithm developed to predict the effect of missense changes on protein structure and function outputs the following: PolyPhen-2: "Benign". The valine amino acid residue is found in multiple mammalian species, which suggests that this missense change does not adversely affect protein function. In summary, the available evidence is currently insufficient to determine the role of this variant in disease. Therefore, it has been classified as a Variant of Uncertain Significance.

NM_018124.4(RFWD3):c.1987A>G (p.Ile663Val)

Gene: RFWD3 (ring finger and WD repeat domain 3; minus strand). Cytogenetic location: 16q23.1.
Variant type: single nucleotide variant.
Coding change: c.1987A>G on transcript NM_018124.4 (MANE Select); coding-DNA position 1987, A replaced by G.
Protein change: p.Ile663Val; replaces isoleucine 663 with valine.
Molecular consequence: missense variant.
Genome position (GRCh38, 1-based): chr16:74,626,537, T>C on the plus strand (A>G on the coding strand, the complement: RFWD3 is on the minus strand). VCF-style: chr16-74626537-T-C. GRCh37 (hg19) VCF-style: chr16-74660435-T-C.
Other names: c.1153A>G, p.Ile385Val (NM_001370540.1, NM_001370542.1, NM_001370543.1 and 2 more transcripts); c.1987A>G, p.Ile663Val (NM_001370534.1, NM_001370535.1); c.1810A>G, p.Ile604Val (NM_001370536.1); short protein forms I385V, I604V, I663V.
Identifiers: ClinVar variation 4762003 (VCV004762003.1).
Genomic context (GRCh38, chr16:74,626,537, plus strand): 5'-AGCAGATTGGATTTCCAGTGTCATCCAGTCGGTAGGACATTTCCATCAGCACACTTCGTA[T>C]GGTGGTGTGATTTTTATCTATGGGACAGAGAAATCAGTGCTGCACCATGGGGACGCTACA-3'
Protein context (NP_060594.3, residues 653-673): TYRPDKNHTT[Ile663Val]RSVLMEMSYR